The following is an entry in ClinVar:

ClinVar aggregate classification (germline): Uncertain significance (1 of 4 stars; one submission).

gnomAD v4.1: 44 of 1,614,078 alleles (0.0027%); highest among the groups gnomAD compares: East Asian, 0.0045%; no homozygotes.

Submission:

Labcorp Genetics (formerly Invitae), Labcorp
Classification: Uncertain significance. Last evaluated: 2025-12-16. Review status: criteria provided, single submitter. Criteria: Invitae Variant Classification Sherloc (09022015). Collection method: clinical testing. Allele origin: germline.
Comment: This sequence change replaces arginine, which is basic and polar, with tryptophan, which is neutral and slightly polar, at codon 129 of the ATPAF2 protein (p.Arg129Trp). This variant is present in population databases (rs766029495, gnomAD 0.004%). This variant has not been reported in the literature in individuals affected with ATPAF2-related conditions. Invitae Evidence Modeling of protein sequence and biophysical properties (such as structural, functional, and spatial information, amino acid conservation, physicochemical variation, residue mobility, and thermodynamic stability) indicates that this missense variant is not expected to disrupt ATPAF2 protein function with a negative predictive value of 80%. In summary, the available evidence is currently insufficient to determine the role of this variant in disease. Therefore, it has been classified as a Variant of Uncertain Significance.

NM_145691.4(ATPAF2):c.385C>T (p.Arg129Trp)

Gene: ATPAF2 (ATP synthase mitochondrial F1 complex assembly factor 2; minus strand). Cytogenetic location: 17p11.2.
Variant type: single nucleotide variant.
Coding change: c.385C>T on transcript NM_145691.4 (MANE Select); coding-DNA position 385, C replaced by T.
Protein change: p.Arg129Trp; replaces arginine 129 with tryptophan.
Molecular consequence: missense variant.
Genome position (GRCh38, 1-based): chr17:18,026,356, G>A on the plus strand (C>T on the coding strand, the complement: ATPAF2 is on the minus strand). VCF-style: chr17-18026356-G-A. GRCh37 (hg19) VCF-style: chr17-17929670-G-A.
Other names: short protein forms R129W.
Identifiers: ClinVar variation 4804721 (VCV004804721.1).